The following is an entry in ClinVar:

NM_000264.5(PTCH1):c.1402G>A (p.Ala468Thr)

Gene: PTCH1 (patched 1; minus strand). Cytogenetic location: 9q22.32.
Variant type: single nucleotide variant.
Coding change: c.1402G>A on transcript NM_000264.5 (MANE Select); coding-DNA position 1402, G replaced by A.
Protein change: p.Ala468Thr; replaces alanine 468 with threonine.
Molecular consequence: missense variant. On other transcripts: non-coding transcript variant (1), intron variant (1).
Genome position (GRCh38, 1-based): chr9:95,477,648, C>T on the plus strand (G>A on the coding strand, the complement: PTCH1 is on the minus strand). VCF-style: chr9-95477648-C-T. GRCh37 (hg19) VCF-style: chr9-98239930-C-T.
Other names: c.1204G>A, p.Ala402Thr (NM_001083602.3); c.1399G>A, p.Ala467Thr (NM_001083603.3); c.949G>A, p.Ala317Thr (NM_001083604.3, NM_001083605.3, NM_001083606.3 and 1 more transcripts); c.1347+407G>A (NM_001354918.2); short protein forms A468T, A402T, A317T, A467T.
Identifiers: ClinVar variation 1771842 (VCV001771842.2), dbSNP rs752908793, ClinGen allele CA374118569.
Genomic context (GRCh38, chr9:95,477,648, plus strand): 5'-ACAGGCCCAGTCCTGCAGCCACTGACAGTGCAACCAGCAGGACGCCAGCCAGCCCCACGG[C>T]ACCCTGGGACTTGGAGCAGTCCCAGCGCAGCATGGTTAGACAGGCATAGGCGAGCTGCAA-3'
Protein context (NP_000255.2, residues 458-478): LRWDCSKSQG[Ala468Thr]VGLAGVLLVA

ClinVar aggregate classification (germline): Uncertain significance (1 of 4 stars; one submission).

Conditions:
Hereditary cancer-predisposing syndrome. Also called: Hereditary Cancer Syndrome; Hereditary neoplastic syndrome; Neoplastic Syndromes, Hereditary; Tumor predisposition. Identifiers: Orphanet 140162, MedGen C0027672, MeSH D009386, MONDO:0015356.

Submission:

Ambry Genetics
Classification: Uncertain significance for Hereditary cancer-predisposing syndrome. Last evaluated: 2021-07-29. Review status: criteria provided, single submitter. Criteria: Ambry Variant Classification Scheme 2023. Collection method: clinical testing. Allele origin: germline.
Comment: The p.A468T variant (also known as c.1402G>A), located in coding exon 10 of the PTCH1 gene, results from a G to A substitution at nucleotide position 1402. The alanine at codon 468 is replaced by threonine, an amino acid with similar properties. This amino acid position is highly conserved in available vertebrate species. In addition, this alteration is predicted to be deleterious by in silico analysis. Since supporting evidence is limited at this time, the clinical significance of this alteration remains unclear.